The following is an entry in ClinVar:

NM_002098.6(GUCA1B):c.171_172inv (p.Val58Ile)

Gene: GUCA1B (guanylate cyclase activator 1B; minus strand). Cytogenetic location: 6p21.1.
Variant type: Inversion.
Coding change: c.171_172inv on transcript NM_002098.6 (MANE Select).
Protein change: p.Val58Ile; replaces valine 58 with isoleucine.
Molecular consequence: missense variant.
Genome position: GRCh38 VCF-style: chr6-42194649-CA-TG. GRCh37 (hg19) VCF-style: chr6-42162387-CA-TG.
Other names: short protein forms V58I.
Identifiers: ClinVar variation 1461772 (VCV001461772.7), ClinGen allele CA2573140841.

ClinVar aggregate classification (germline): Uncertain significance (1 of 4 stars; one submission).

Submission:

Labcorp Genetics (formerly Invitae), Labcorp
Classification: Uncertain significance. Last evaluated: 2022-09-06. Review status: criteria provided, single submitter. Criteria: Invitae Variant Classification Sherloc (09022015). Collection method: clinical testing. Allele origin: germline.
Comment: This sequence change replaces valine, which is neutral and non-polar, with isoleucine, which is neutral and non-polar, at codon 58 of the GUCA1B protein (p.Val58Ile). Information on the frequency of this variant in the gnomAD database is not available, as this variant may be reported differently in the database. In summary, the available evidence is currently insufficient to determine the role of this variant in disease. Therefore, it has been classified as a Variant of Uncertain Significance. Experimental studies and prediction algorithms are not available or were not evaluated, and the functional significance of this variant is currently unknown. ClinVar contains an entry for this variant (Variation ID: 1461772). This variant has not been reported in the literature in individuals affected with GUCA1B-related conditions.